The following is an entry in ClinVar:

ClinVar aggregate classification (germline): Uncertain significance (1 of 4 stars; one submission).

Conditions:
MAGT1-related disorder. Also called: MAGT1-related condition.

Submission:

PreventionGenetics, part of Exact Sciences
Classification: Uncertain significance for MAGT1-related condition. Last evaluated: 2023-04-10. Review status: criteria provided, single submitter. Criteria: ACMG Guidelines, 2015. Collection method: clinical testing. Allele origin: germline.
Comment: The MAGT1 c.768+5G>A variant is predicted to interfere with splicing. To our knowledge, this variant has not been reported in the literature or in a large population database, indicating this variant is rare. Although we suspect that this variant may be pathogenic, at this time, the clinical significance of this variant is uncertain due to the absence of conclusive functional and genetic evidence.

NM_001367916.1(MAGT1):c.672+5G>A

Gene: MAGT1 (magnesium transporter 1; minus strand). Cytogenetic location: Xq21.1.
Variant type: single nucleotide variant.
Coding change: c.672+5G>A on transcript NM_001367916.1 (MANE Select); 5 bases into the intron after coding-DNA position 672, G replaced by A.
Molecular consequence: intron variant.
Genome position (GRCh38, 1-based): chrX:77,856,728, C>T on the plus strand (G>A on the coding strand, the complement: MAGT1 is on the minus strand). VCF-style: chrX-77856728-C-T. GRCh37 (hg19) VCF-style: chrX-77112225-C-T.
Other names: c.768+5G>A (NM_032121.5).
Identifiers: ClinVar variation 2633756 (VCV002633756.1), dbSNP rs2521995342, ClinGen allele CA2695197167.
Genomic context (GRCh38, chrX:77,856,728, plus strand): 5'-TTACCTAAAAATACACTATTAGGAATTTTATTCAAATAATTTTTTGTCTTCTGAAATTCA[C>T]TCACCAAAGCTGCAAAAGCCCATCCAGTTTTATTAAAGAGAAATTCCATATTACTTCTTC-3'